The following is an entry in ClinVar:

NM_004092.4(ECHS1):c.847A>G (p.Arg283Gly)

Gene: ECHS1 (enoyl-CoA hydratase, short chain 1; minus strand). Cytogenetic location: 10q26.3.
Variant type: single nucleotide variant.
Coding change: c.847A>G on transcript NM_004092.4 (MANE Select); coding-DNA position 847, A replaced by G.
Protein change: p.Arg283Gly; replaces arginine 283 with glycine.
Molecular consequence: missense variant.
Genome position (GRCh38, 1-based): chr10:133,362,894, T>C on the plus strand (A>G on the coding strand, the complement: ECHS1 is on the minus strand). VCF-style: chr10-133362894-T-C. GRCh37 (hg19) VCF-style: chr10-135176398-T-C.
Other names: short protein forms R283G.
Identifiers: ClinVar variation 692006 (VCV000692006.1), dbSNP rs1589878956, ClinGen allele CA378816962.
Genomic context (GRCh38, chr10:133,362,894, plus strand): 5'-CCAAGCAGAGGTGTGAAGCAGGGGCAGCTGGTTCTCACTGGTCTTTGAAGTTGGCCTTTC[T>C]CTTTTCCACAAACGCGGTCATCCCTTCTTTCCGGTCATCCTGGCAGGAAAAGGAACAGAA-3'
Protein context (NP_004083.3, residues 273-290): KEGMTAFVEK[Arg283Gly]KANFKDQ

ClinVar aggregate classification (germline): Likely pathogenic (1 of 4 stars; one submission).

Conditions:
Mitochondrial short-chain Enoyl-Coa hydratase 1 deficiency. Also called: Mitochondrial Short-Chain Enoyl-CoA Hydratase Deficiency; ECHS1 deficiency; PxMD-ECHS1. Identifiers: Orphanet 255241, Orphanet 653880, MedGen C4225391, MONDO:0014563, OMIM 616277.

Submission:

Rady Children's Institute for Genomic Medicine, Rady Children's Hospital San Diego
Classification: Likely pathogenic for MITOCHONDRIAL SHORT-CHAIN ENOYL-CoA HYDRATASE 1 DEFICIENCY. Last evaluated: 2018-01-25. Review status: criteria provided, single submitter. Criteria: ACMG Guidelines, 2015. Collection method: clinical testing. Allele origin: germline. Affected: yes. Observed: 1 variant allele.
Comment: This variant has not been previously reported in the literature to our knowledge, and it is absent from the ExAC or gnomAD population databases. Several disease causing missense variants located in the adjacent amino acids in exon 8 of this gene have been reported suggesting this region of the ECHS1 gene to be a hot spot for pathogenic mutations (PMID: 28202214, 27221955). In silico algorithms predict this change to be deleterious. Based on the overall evidence, we classified this variant as likely pathogenic.